The following is an entry in ClinVar:

ClinVar aggregate classification (germline): Uncertain significance (1 of 4 stars; one submission).

Submission:

Labcorp Genetics (formerly Invitae), Labcorp
Classification: Uncertain significance. Last evaluated: 2025-08-20. Review status: criteria provided, single submitter. Criteria: Invitae Variant Classification Sherloc (09022015). Collection method: clinical testing. Allele origin: germline.
Comment: This sequence change replaces arginine, which is basic and polar, with serine, which is neutral and polar, at codon 89 of the MSH3 protein (p.Arg89Ser). This variant is not present in population databases (gnomAD no frequency). This variant has not been reported in the literature in individuals affected with MSH3-related conditions. ClinVar contains an entry for this variant (Variation ID: 3646520). An algorithm developed to predict the effect of missense changes on protein structure and function (PolyPhen-2) suggests that this variant is likely to be tolerated. In summary, the available evidence is currently insufficient to determine the role of this variant in disease. Therefore, it has been classified as a Variant of Uncertain Significance.

NM_002439.5(MSH3):c.267A>C (p.Arg89Ser)

Gene: MSH3 (mutS homolog 3; plus strand). Cytogenetic location: 5q14.1.
Variant type: single nucleotide variant.
Coding change: c.267A>C on transcript NM_002439.5 (MANE Select); coding-DNA position 267, A replaced by C.
Protein change: p.Arg89Ser; replaces arginine 89 with serine.
Molecular consequence: missense variant.
Genome position (GRCh38, 1-based): chr5:80,656,440, A>C. VCF-style: chr5-80656440-A-C. GRCh37 (hg19) VCF-style: chr5-79952259-A-C.
Other names: short protein forms R89S.
Identifiers: ClinVar variation 3646520 (VCV003646520.2).